The following is an entry in ClinVar:

NM_000051.4(ATM):c.2387A>G (p.Asn796Ser)

Gene: ATM (ATM serine/threonine kinase; plus strand). Cytogenetic location: 11q22.3.
Variant type: single nucleotide variant.
Coding change: c.2387A>G on transcript NM_000051.4 (MANE Select); coding-DNA position 2387, A replaced by G.
Protein change: p.Asn796Ser; replaces asparagine 796 with serine.
Molecular consequence: missense variant.
Genome position (GRCh38, 1-based): chr11:108,258,996, A>G. VCF-style: chr11-108258996-A-G. GRCh37 (hg19) VCF-style: chr11-108129723-A-G.
Other names: c.2387A>G, p.Asn796Ser (NM_001351834.2); short protein forms N796S.
Identifiers: ClinVar variation 821191 (VCV000821191.13), dbSNP rs1555076612, ClinGen allele CA382541056.

ClinVar aggregate classification (germline): Uncertain significance. Review status: criteria provided, multiple submitters, no conflicts (2 of 4 stars). 3 submissions from 3 submitters: Uncertain significance (2). 1 of the submissions does not count toward it. Last evaluated 2024-02-17.

Conditions:
Hereditary cancer-predisposing syndrome. Also called: Hereditary Cancer Syndrome; Neoplastic Syndromes, Hereditary; Hereditary neoplastic syndrome; Tumor predisposition. Identifiers: Orphanet 140162, MedGen C0027672, MeSH D009386, MONDO:0015356.
Ataxia-telangiectasia syndrome (AT). Also called: Cerebello-oculocutaneous telangiectasia; Immunodeficiency with ataxia telangiectasia; Ataxia-telangiectasia, complementation group E; Ataxia-telangiectasia, complementation group D; AT, COMPLEMENTATION GROUP C; ATAXIA-TELANGIECTASIA, COMPLEMENTATION GROUP A. Identifiers: Orphanet 100, MedGen C0004135, MONDO:0008840, OMIM 208900.

Allele frequency attached by ClinVar (database versions not stated): gnomAD exomes below 0.00001.
gnomAD v4.1: 2 of 1,613,540 alleles (0.00012%); highest among the groups gnomAD compares: Non-Finnish European, 0.000085%; no homozygotes.

Submissions (3):

Labcorp Genetics (formerly Invitae), Labcorp
Classification: Uncertain significance for Ataxia-telangiectasia syndrome. Last evaluated: 2024-02-17. Review status: criteria provided, single submitter. Criteria: Invitae Variant Classification Sherloc (09022015). Collection method: clinical testing. Allele origin: germline.
Comment: This sequence change replaces asparagine, which is neutral and polar, with serine, which is neutral and polar, at codon 796 of the ATM protein (p.Asn796Ser). This variant is not present in population databases (gnomAD no frequency). This variant has not been reported in the literature in individuals affected with ATM-related conditions. ClinVar contains an entry for this variant (Variation ID: 821191). Algorithms developed to predict the effect of missense changes on protein structure and function output the following: SIFT: "Not Available"; PolyPhen-2: "Benign"; Align-GVGD: "Not Available". The serine amino acid residue is found in multiple mammalian species, which suggests that this missense change does not adversely affect protein function. RNA analysis performed to evaluate the impact of this missense change on mRNA splicing indicates it does not significantly alter splicing (Invitae). In summary, the available evidence is currently insufficient to determine the role of this variant in disease. Therefore, it has been classified as a Variant of Uncertain Significance.

Ambry Genetics
Classification: Uncertain significance for Hereditary cancer-predisposing syndrome. Last evaluated: 2023-08-15. Review status: criteria provided, single submitter. Criteria: Ambry Variant Classification Scheme 2023. Collection method: clinical testing. Allele origin: germline.
Comment: The p.N796S variant (also known as c.2387A>G), located in coding exon 15 of the ATM gene, results from an A to G substitution at nucleotide position 2387. The asparagine at codon 796 is replaced by serine, an amino acid with highly similar properties. This amino acid position is not well conserved in available vertebrate species. In addition, this alteration is predicted to be tolerated by in silico analysis. Since supporting evidence is limited at this time, the clinical significance of this alteration remains unclear.

Natera, Inc.
Classification: Uncertain significance for Ataxia-telangiectasia. Last evaluated: 2020-02-13. Review status: no assertion criteria provided. Collection method: clinical testing. Allele origin: germline. Not counted in ClinVar's aggregate classification.